The following is an entry in ClinVar:

NM_000334.4(SCN4A):c.1508G>A (p.Gly503Asp)

Gene: SCN4A (sodium voltage-gated channel alpha subunit 4; minus strand). Cytogenetic location: 17q23.3.
Variant type: single nucleotide variant.
Coding change: c.1508G>A on transcript NM_000334.4 (MANE Select); coding-DNA position 1508, G replaced by A.
Protein change: p.Gly503Asp; replaces glycine 503 with aspartic acid.
Molecular consequence: missense variant.
Genome position (GRCh38, 1-based): chr17:63,963,770, C>T on the plus strand (G>A on the coding strand, the complement: SCN4A is on the minus strand). VCF-style: chr17-63963770-C-T. GRCh37 (hg19) VCF-style: chr17-62041130-C-T.
Other names: short protein forms G503D.
Identifiers: ClinVar variation 4810861 (VCV004810861.1).

ClinVar aggregate classification (germline): Uncertain significance (1 of 4 stars; one submission).

Conditions:
Hyperkalemic periodic paralysis. Also called: Familial hyperkalemic periodic paralysis; Gamstorp disease. Identifiers: Orphanet 682, MedGen C0238357, MONDO:0008224, OMIM 170500, HP:0007215.

gnomAD v4.1: 2 of 1,608,296 alleles (0.00012%); highest among the groups gnomAD compares: African/African-American, 0.0013%; no homozygotes.

Submission:

Labcorp Genetics (formerly Invitae), Labcorp
Classification: Uncertain significance for Hyperkalemic periodic paralysis. Last evaluated: 2025-08-25. Review status: criteria provided, single submitter. Criteria: Invitae Variant Classification Sherloc (09022015). Collection method: clinical testing. Allele origin: germline.
Comment: This sequence change replaces glycine, which is neutral and non-polar, with aspartic acid, which is acidic and polar, at codon 503 of the SCN4A protein (p.Gly503Asp). This variant is not present in population databases (gnomAD no frequency). This variant has not been reported in the literature in individuals affected with SCN4A-related conditions. Invitae Evidence Modeling of protein sequence and biophysical properties (such as structural, functional, and spatial information, amino acid conservation, physicochemical variation, residue mobility, and thermodynamic stability) indicates that this missense variant is not expected to disrupt SCN4A protein function with a negative predictive value of 95%. In summary, the available evidence is currently insufficient to determine the role of this variant in disease. Therefore, it has been classified as a Variant of Uncertain Significance.